The following is an entry in ClinVar:

NM_003611.3(OFD1):c.2071A>G (p.Ile691Val)

Gene: OFD1 (OFD1 centriole and centriolar satellite protein; plus strand). Cytogenetic location: Xp22.2.
Variant type: single nucleotide variant.
Coding change: c.2071A>G on transcript NM_003611.3 (MANE Select); coding-DNA position 2071, A replaced by G.
Protein change: p.Ile691Val; replaces isoleucine 691 with valine.
Molecular consequence: missense variant.
Genome position (GRCh38, 1-based): chrX:13,760,531, A>G. VCF-style: chrX-13760531-A-G. GRCh37 (hg19) VCF-style: chrX-13778650-A-G.
Other names: c.1951A>G, p.Ile651Val (NM_001330209.2); c.1651A>G, p.Ile551Val (NM_001330210.2); short protein forms I651V, I691V, I551V.
Identifiers: ClinVar variation 1449422 (VCV001449422.8), dbSNP rs2147049159, ClinGen allele CA412344454.

ClinVar aggregate classification (germline): Uncertain significance (1 of 4 stars; one submission).

Conditions:
Joubert syndrome. Also called: CEREBELLOPARENCHYMAL DISORDER IV; JOUBERT-BOLTSHAUSER SYNDROME; Familial aplasia of the vermis. Identifiers: Orphanet 475, MedGen C5979921, MONDO:0018772.
Orofaciodigital syndrome I (OFD1). Also called: OFDS I; Papillon-Leage and Psaume Syndrome; Oral-Facial-Digital Syndrome Type I. Identifiers: Orphanet 2750, MedGen C1510460, MONDO:0010702, OMIM 311200.

Allele frequency attached by ClinVar (database versions not stated): gnomAD exomes below 0.00001.
gnomAD v4.1: 1 of 1,173,393 alleles (0.000085%); highest among the groups gnomAD compares: Non-Finnish European, 0.00011%; no homozygotes.

Submission:

Labcorp Genetics (formerly Invitae), Labcorp
Classification: Uncertain significance for Orofaciodigital syndrome I; Joubert syndrome. Last evaluated: 2021-06-01. Review status: criteria provided, single submitter. Criteria: Invitae Variant Classification Sherloc (09022015). Collection method: clinical testing. Allele origin: germline.
Comment: In summary, the available evidence is currently insufficient to determine the role of this variant in disease. Therefore, it has been classified as a Variant of Uncertain Significance. Algorithms developed to predict the effect of missense changes on protein structure and function output the following: SIFT: "Tolerated"; PolyPhen-2: "Benign"; Align-GVGD: "Class C0". The valine amino acid residue is found in multiple mammalian species, suggesting that this missense change does not adversely affect protein function. These predictions have not been confirmed by published functional studies and their clinical significance is uncertain. This variant has not been reported in the literature in individuals with OFD1-related conditions. This variant is not present in population databases (ExAC no frequency). This sequence change replaces isoleucine with valine at codon 691 of the OFD1 protein (p.Ile691Val). The isoleucine residue is weakly conserved and there is a small physicochemical difference between isoleucine and valine.